The following is an entry in ClinVar:

ClinVar aggregate classification (germline): Uncertain significance (1 of 4 stars; one submission).

Submission:

GeneDx
Classification: Uncertain significance. Last evaluated: 2020-12-17. Review status: criteria provided, single submitter. Criteria: GeneDx Variant Classification Process June 2021. Collection method: clinical testing. Allele origin: germline. Affected: yes.
Comment: Not observed in large population cohorts (Lek et al., 2016); Has not been previously published as pathogenic or benign to our knowledge; In-silico analysis, which includes splice predictors and evolutionary conservation, is inconclusive as to whether the variant alters gene splicing. In the absence of RNA/functional studies, the actual effect of this sequence change is unknown.

NM_002291.3(LAMB1):c.3294G>A (p.Glu1098=)

Gene: LAMB1 (laminin subunit beta 1; minus strand). Cytogenetic location: 7q31.1.
Variant type: single nucleotide variant.
Coding change: c.3294G>A on transcript NM_002291.3 (MANE Select); coding-DNA position 3294, G replaced by A.
Protein change: p.Glu1098=; no amino-acid change (glutamic acid 1098 retained).
Molecular consequence: synonymous variant.
Genome position (GRCh38, 1-based): chr7:107,952,009, C>T on the plus strand (G>A on the coding strand, the complement: LAMB1 is on the minus strand). VCF-style: chr7-107952009-C-T. GRCh37 (hg19) VCF-style: chr7-107592454-C-T.
Identifiers: ClinVar variation 1303786 (VCV001303786.2), dbSNP rs2116395702, ClinGen allele CA457107866.